The following is an entry in ClinVar:

ClinVar aggregate classification (germline): Uncertain significance (1 of 4 stars; one submission).

Conditions:
Encephalopathy-hypertrophic cardiomyopathy-renal tubular disease syndrome. Identifiers: Orphanet 319678, MedGen C3553374, MONDO:0013840, OMIM 614654.

Allele frequency attached by ClinVar (database versions not stated): gnomAD exomes below 0.00001.
gnomAD v4.1: 2 of 1,614,180 alleles (0.00012%); highest among the groups gnomAD compares: Non-Finnish European, 0.00017%; no homozygotes.

Submission:

Baylor Genetics
Classification: Uncertain significance for Encephalopathy-hypertrophic cardiomyopathy-renal tubular disease syndrome. Last evaluated: 2018-06-13. Review status: criteria provided, single submitter. Criteria: ACMG Guidelines, 2015. Collection method: clinical testing. Allele origin: maternal. Affected: yes.
Comment: This variant was determined to be of uncertain significance according to ACMG Guidelines, 2015 [PMID:25741868].

NM_020312.4(COQ9):c.449T>C (p.Val150Ala)

Gene: COQ9 (coenzyme Q9; plus strand). Cytogenetic location: 16q21.
Variant type: single nucleotide variant.
Coding change: c.449T>C on transcript NM_020312.4 (MANE Select); coding-DNA position 449, T replaced by C.
Protein change: p.Val150Ala; replaces valine 150 with alanine.
Molecular consequence: missense variant.
Genome position (GRCh38, 1-based): chr16:57,456,574, T>C. VCF-style: chr16-57456574-T-C. GRCh37 (hg19) VCF-style: chr16-57490486-T-C.
Other names: short protein forms V150A.
Identifiers: ClinVar variation 1032073 (VCV001032073.1), dbSNP rs1189027445, ClinGen allele CA396028341.